The following is an entry in ClinVar:

NM_005477.3(HCN4):c.3163C>T (p.Pro1055Ser)

Gene: HCN4 (hyperpolarization activated cyclic nucleotide gated potassium channel 4; minus strand). Cytogenetic location: 15q24.1.
Variant type: single nucleotide variant.
Coding change: c.3163C>T on transcript NM_005477.3 (MANE Select); coding-DNA position 3163, C replaced by T.
Protein change: p.Pro1055Ser; replaces proline 1055 with serine.
Molecular consequence: missense variant.
Genome position (GRCh38, 1-based): chr15:73,322,930, G>A on the plus strand (C>T on the coding strand, the complement: HCN4 is on the minus strand). VCF-style: chr15-73322930-G-A. GRCh37 (hg19) VCF-style: chr15-73615271-G-A.
Other names: short protein forms P1055S.
Identifiers: ClinVar variation 2965447 (VCV002965447.2), dbSNP rs1371747083, ClinGen allele CA393086093.

ClinVar aggregate classification (germline): Uncertain significance (1 of 4 stars; one submission).

Conditions:
Brugada syndrome 8 (BRGDA8). Identifiers: Orphanet 130, MedGen C2751083, MONDO:0013148, OMIM 613123.

gnomAD v4.1: 2 of 1,408,800 alleles (0.00014%); highest among the groups gnomAD compares: Admixed American, 0.0028%; no homozygotes.

Submission:

Labcorp Genetics (formerly Invitae), Labcorp
Classification: Uncertain significance for Brugada syndrome 8. Last evaluated: 2024-04-24. Review status: criteria provided, single submitter. Criteria: Invitae Variant Classification Sherloc (09022015). Collection method: clinical testing. Allele origin: germline.
Comment: This sequence change replaces proline, which is neutral and non-polar, with serine, which is neutral and polar, at codon 1055 of the HCN4 protein (p.Pro1055Ser). This variant is not present in population databases (gnomAD no frequency). This variant has not been reported in the literature in individuals affected with HCN4-related conditions. Advanced modeling of protein sequence and biophysical properties (such as structural, functional, and spatial information, amino acid conservation, physicochemical variation, residue mobility, and thermodynamic stability) performed at Invitae indicates that this missense variant is not expected to disrupt HCN4 protein function with a negative predictive value of 95%. In summary, the available evidence is currently insufficient to determine the role of this variant in disease. Therefore, it has been classified as a Variant of Uncertain Significance.